The following is an entry in ClinVar:

ClinVar aggregate classification (germline): Conflicting classifications of pathogenicity. Review status: criteria provided, conflicting classifications (1 of 4 stars). 2 submissions from 2 submitters: Likely pathogenic (1); Uncertain significance (1). Last evaluated 2026-03-31.

Conditions:
LEPR-related disorder. Also called: LEPR-related disorders; LEPR-related condition.

gnomAD v4.1: 46 of 1,613,256 alleles (0.0029%); highest among the groups gnomAD compares: Middle Eastern, 0.18%; 1 homozygote.

Submissions (2):

PreventionGenetics, part of Exact Sciences
Classification: Uncertain significance for LEPR-related condition. Last evaluated: 2026-03-31. Review status: criteria provided, single submitter. Criteria: ACMG Guidelines, 2015. Collection method: clinical testing. Allele origin: germline.
Comment: The LEPR c.946C>A variant is predicted to result in the amino acid substitution p.Pro316Thr. This variant has been reported in the homozygous state in several patients with severe obesity, many of whom were also homozygous for LEPR c.1938G>T (Mazen et al 2011. PubMed ID: 21306929; Andiran et al. 2011. PubMed ID: 22308862; Kohlsdorf et al. 2018. PubMed ID: 29568105; Nalbantoglu et al. 2022. PubMed ID: 35801948). In vitro functional studies suggested the c.946C>A variant does not affect LEPR activity (Supplemental Data Set, Shah et al. 2023. PubMed ID: 36864747). This variant is reported in 0.013% of alleles in individuals of South Asian descent in gnomAD. At this time, the clinical significance of this variant is uncertain due to the absence of conclusive functional and genetic evidence.

Blueprint Genetics
Classification: Likely pathogenic for LEPR-related disorders. Last evaluated: 2023-05-14. Review status: criteria provided, single submitter. Criteria: ACMG Guidelines, 2015. Collection method: clinical testing. Allele origin: germline. Affected: yes. Observed: 4 variant alleles.

NM_002303.6(LEPR):c.946C>A (p.Pro316Thr)

Gene: LEPR (leptin receptor; plus strand). Cytogenetic location: 1p31.3.
Variant type: single nucleotide variant.
Coding change: c.946C>A on transcript NM_002303.6 (MANE Select); coding-DNA position 946, C replaced by A.
Protein change: p.Pro316Thr; replaces proline 316 with threonine.
Molecular consequence: missense variant.
Genome position (GRCh38, 1-based): chr1:65,598,756, C>A. VCF-style: chr1-65598756-C-A. GRCh37 (hg19) VCF-style: chr1-66064439-C-A.
Other names: c.946C>A, p.Pro316Thr (NM_001003679.3, NM_001003680.3, NM_001198687.2 and 2 more transcripts); short protein forms P316T.
Identifiers: ClinVar variation 4893519 (VCV004893519.2).